The following is an entry in ClinVar:

NC_000002.12:g.227094281_227094290del

Gene: COL4A4 (collagen type IV alpha 4 chain; minus strand). Cytogenetic location: 2q36.3.
Variant type: Deletion.
Genome position: GRCh38 VCF-style: chr2-227094279-TCCTATCATGC-T. GRCh37 (hg19) VCF-style: chr2-227958995-TCCTATCATGC-T.
Identifiers: ClinVar variation 1420870 (VCV001420870.6), dbSNP rs2150688207, ClinGen allele CA2573135434.

ClinVar aggregate classification (germline): Pathogenic (1 of 4 stars; one submission).

Submission:

Labcorp Genetics (formerly Invitae), Labcorp
Classification: Pathogenic. Last evaluated: 2021-06-18. Review status: criteria provided, single submitter. Criteria: Invitae Variant Classification Sherloc (09022015). Collection method: clinical testing. Allele origin: germline.
Comment: For these reasons, this variant has been classified as Pathogenic. Algorithms developed to predict the effect of sequence changes on RNA splicing suggest that this variant may create or strengthen a splice site, but this prediction has not been confirmed by published transcriptional studies. This variant has not been reported in the literature in individuals with COL4A4-related conditions. This variant is not present in population databases (ExAC no frequency). This sequence change creates a premature translational stop signal (p.Gly402Aspfs*53) in the COL4A4 gene. It is expected to result in an absent or disrupted protein product. Loss-of-function variants in COL4A4 are known to be pathogenic (PMID: 21196518, 24854265, 25307543).

Literature cited by the submitters: PubMed 21196518; PubMed 24854265; PubMed 25307543.